The following is an entry in ClinVar:

NM_000051.4(ATM):c.5854T>A (p.Phe1952Ile)

Genes: ATM (ATM serine/threonine kinase; plus strand), C11orf65 (chromosome 11 open reading frame 65; minus strand). Cytogenetic location: 11q22.3.
Variant type: single nucleotide variant.
Coding change: c.5854T>A on transcript NM_000051.4 (MANE Select); coding-DNA position 5854, T replaced by A.
Protein change: p.Phe1952Ile; replaces phenylalanine 1952 with isoleucine.
Molecular consequence: missense variant. On other transcripts: intron variant (2).
Genome position (GRCh38, 1-based): chr11:108,310,251, T>A. VCF-style: chr11-108310251-T-A. GRCh37 (hg19) VCF-style: chr11-108180978-T-A.
Other names: c.5854T>A, p.Phe1952Ile (NM_001351834.2); c.641-1180A>T (NM_001330368.2); c.*39-1180A>T (NM_001351110.2); short protein forms F1952I.
Identifiers: ClinVar variation 481092 (VCV000481092.28), dbSNP rs1555110421, ClinGen allele CA382548468.
Genomic context (GRCh38, chr11:108,310,251, plus strand): 5'-TTCTGGCTGGATTTAAATTATCTAGAAGTTGCCAAGGTAGCTCAGTCTTGTGCTGCTCAC[T>A]TTACAGCTTTACTCTATGCAGAAATCTATGCAGATAAGAAAAGTATGGATGATCAAGAGA-3'
Protein context (NP_000042.3, residues 1942-1962): AKVAQSCAAH[Phe1952Ile]TALLYAEIYA

ClinVar aggregate classification (germline): Uncertain significance. Review status: criteria provided, multiple submitters, no conflicts (2 of 4 stars). 3 submissions from 3 submitters: Uncertain significance (2). 1 of the submissions does not count toward it. Last evaluated 2025-03-03.

Conditions:
Hereditary cancer-predisposing syndrome. Also called: Neoplastic Syndromes, Hereditary; Hereditary Cancer Syndrome; Tumor predisposition; Hereditary neoplastic syndrome. Identifiers: Orphanet 140162, MedGen C0027672, MeSH D009386, MONDO:0015356.
Ataxia-telangiectasia syndrome (AT). Also called: LOUIS-BAR SYNDROME; Cerebello-oculocutaneous telangiectasia; Immunodeficiency with ataxia telangiectasia; Ataxia-telangiectasia, complementation group D; AT, COMPLEMENTATION GROUP C; Ataxia-telangiectasia, complementation group E. Identifiers: Orphanet 100, MedGen C0004135, MONDO:0008840, OMIM 208900.

Submissions (3):

Ambry Genetics
Classification: Uncertain significance for Hereditary cancer-predisposing syndrome. Last evaluated: 2025-03-03. Review status: criteria provided, single submitter. Criteria: Ambry Variant Classification Scheme 2023. Collection method: clinical testing. Allele origin: germline.
Comment: The p.F1952I variant (also known as c.5854T>A), located in coding exon 38 of the ATM gene, results from a T to A substitution at nucleotide position 5854. The phenylalanine at codon 1952 is replaced by isoleucine, an amino acid with highly similar properties. This amino acid position is highly conserved in available vertebrate species. In addition, the in silico prediction for this alteration is inconclusive. Based on the available evidence, the clinical significance of this variant remains unclear.

Labcorp Genetics (formerly Invitae), Labcorp
Classification: Uncertain significance for Ataxia-telangiectasia syndrome. Last evaluated: 2025-03-03. Review status: criteria provided, single submitter. Criteria: Invitae Variant Classification Sherloc (09022015). Collection method: clinical testing. Allele origin: germline.
Comment: This sequence change replaces phenylalanine, which is neutral and non-polar, with isoleucine, which is neutral and non-polar, at codon 1952 of the ATM protein (p.Phe1952Ile). This variant is not present in population databases (gnomAD no frequency). This variant has not been reported in the literature in individuals affected with ATM-related conditions. ClinVar contains an entry for this variant (Variation ID: 481092). Invitae Evidence Modeling of protein sequence and biophysical properties (such as structural, functional, and spatial information, amino acid conservation, physicochemical variation, residue mobility, and thermodynamic stability) has been performed for this missense variant. However, the output from this modeling did not meet the statistical confidence thresholds required to predict the impact of this variant on ATM protein function. In summary, the available evidence is currently insufficient to determine the role of this variant in disease. Therefore, it has been classified as a Variant of Uncertain Significance.

Natera, Inc.
Classification: Uncertain significance for Ataxia-telangiectasia. Last evaluated: 2020-01-28. Review status: no assertion criteria provided. Collection method: clinical testing. Allele origin: germline. Not counted in ClinVar's aggregate classification.